The following is an entry in ClinVar:

NM_006343.3(MERTK):c.1223C>T (p.Pro408Leu)

Gene: MERTK (MER proto-oncogene, tyrosine kinase; plus strand). Cytogenetic location: 2q13.
Variant type: single nucleotide variant.
Coding change: c.1223C>T on transcript NM_006343.3 (MANE Select); coding-DNA position 1223, C replaced by T.
Protein change: p.Pro408Leu; replaces proline 408 with leucine.
Molecular consequence: missense variant.
Genome position (GRCh38, 1-based): chr2:111,982,920, C>T. VCF-style: chr2-111982920-C-T. GRCh37 (hg19) VCF-style: chr2-112740497-C-T.
Other names: c.1223C>T (NM_006343.2); short protein forms P408L.
Identifiers: ClinVar variation 1486083 (VCV001486083.9), dbSNP rs147166671, ClinGen allele CA1831298.

ClinVar aggregate classification (germline): Uncertain significance. Review status: criteria provided, multiple submitters, no conflicts (2 of 4 stars). 3 submissions from 3 submitters: Uncertain significance (3). Last evaluated 2025-11-13.

Conditions:
MERTK-related disorder. Also called: MERTK-related condition.

Allele frequency attached by ClinVar (database versions not stated): ExAC 0.00001; gnomAD exomes 0.00001 and 0.00002; gnomAD 0.00002 and 0.00003; TOPMed 0.00006; 1000 Genomes Project 30x 0.00031; 1000 Genomes Project 0.00040.
gnomAD v4.1: 20 of 1,614,068 alleles (0.0012%); highest among the groups gnomAD compares: African/African-American, 0.021%; no homozygotes.

Submissions (3):

PreventionGenetics, part of Exact Sciences
Classification: Uncertain significance for MERTK-related condition. Last evaluated: 2025-11-13. Review status: criteria provided, single submitter. Criteria: ACMG Guidelines, 2015. Collection method: clinical testing. Allele origin: germline.
Comment: The MERTK c.1223C>T variant is predicted to result in the amino acid substitution p.Pro408Leu. To our knowledge, this variant has not been reported in the literature. This variant is reported in 0.018% of alleles in individuals of African descent in gnomAD. At this time, the clinical significance of this variant is uncertain due to the absence of conclusive functional and genetic evidence.

Labcorp Genetics (formerly Invitae), Labcorp
Classification: Uncertain significance. Last evaluated: 2025-01-27. Review status: criteria provided, single submitter. Criteria: Invitae Variant Classification Sherloc (09022015). Collection method: clinical testing. Allele origin: germline.
Comment: This sequence change replaces proline, which is neutral and non-polar, with leucine, which is neutral and non-polar, at codon 408 of the MERTK protein (p.Pro408Leu). This variant is present in population databases (rs147166671, gnomAD 0.02%). This variant has not been reported in the literature in individuals affected with MERTK-related conditions. ClinVar contains an entry for this variant (Variation ID: 1486083). Invitae Evidence Modeling of protein sequence and biophysical properties (such as structural, functional, and spatial information, amino acid conservation, physicochemical variation, residue mobility, and thermodynamic stability) indicates that this missense variant is not expected to disrupt MERTK protein function with a negative predictive value of 80%. In summary, the available evidence is currently insufficient to determine the role of this variant in disease. Therefore, it has been classified as a Variant of Uncertain Significance.

Blueprint Genetics
Classification: Uncertain significance. Last evaluated: 2024-05-02. Review status: criteria provided, single submitter. Criteria: ACMG Guidelines, 2015. Collection method: clinical testing. Allele origin: germline.